The following is an entry in ClinVar:

NM_017763.6(RNF43):c.1625C>T (p.Thr542Ile)

Gene: RNF43 (ring finger protein 43; minus strand). Cytogenetic location: 17q22.
Variant type: single nucleotide variant.
Coding change: c.1625C>T on transcript NM_017763.6 (MANE Select); coding-DNA position 1625, C replaced by T.
Protein change: p.Thr542Ile; replaces threonine 542 with isoleucine.
Molecular consequence: missense variant.
Genome position (GRCh38, 1-based): chr17:58,358,151, G>A on the plus strand (C>T on the coding strand, the complement: RNF43 is on the minus strand). VCF-style: chr17-58358151-G-A. GRCh37 (hg19) VCF-style: chr17-56435512-G-A.
Other names: c.1625C>T, p.Thr542Ile (NM_001305544.3); c.1244C>T, p.Thr415Ile (NM_001305545.2); short protein forms T415I, T542I.
Identifiers: ClinVar variation 3789889 (VCV003789889.1).

ClinVar aggregate classification (germline): Uncertain significance (1 of 4 stars; one submission).

gnomAD v4.1: 6 of 1,612,814 alleles (0.00037%); highest among the groups gnomAD compares: Non-Finnish European, 0.00051%; no homozygotes.

Submission:

Ambry Genetics
Classification: Uncertain significance. Last evaluated: 2025-01-08. Review status: criteria provided, single submitter. Criteria: Ambry Variant Classification Scheme 2023. Collection method: clinical testing. Allele origin: germline.
Comment: The p.T542I variant (also known as c.1625C>T), located in coding exon 8 of the RNF43 gene, results from a C to T substitution at nucleotide position 1625. The threonine at codon 542 is replaced by isoleucine, an amino acid with similar properties. This amino acid position is conserved. In addition, this alteration is predicted to be tolerated by in silico analysis. Based on the available evidence, the clinical significance of this variant remains unclear.